The following is an entry in ClinVar:

ClinVar aggregate classification (germline): Uncertain significance. Review status: criteria provided, multiple submitters, no conflicts (2 of 4 stars). 2 submissions from 2 submitters: Uncertain significance (2). Last evaluated 2025-08-24.

Conditions:
Inborn genetic diseases. Identifiers: MedGen C0950123, MeSH D030342.
Congenital myasthenic syndrome 2A. Also called: Myasthenic syndrome, congenital, 2a, slow-channel. Identifiers: Orphanet 590, MedGen C4225374, MONDO:0014581, OMIM 616313.

Allele frequency attached by ClinVar (database versions not stated): gnomAD 0.00001; TOPMed 0.00001; ExAC 0.00002; gnomAD exomes 0.00002 and 0.00003.
gnomAD v4.1: 32 of 1,613,604 alleles (0.002%); highest among the groups gnomAD compares: East Asian, 0.013%; no homozygotes.

Submissions (2):

Ambry Genetics
Classification: Uncertain significance for Inborn genetic diseases. Last evaluated: 2025-08-24. Review status: criteria provided, single submitter. Criteria: Ambry Variant Classification Scheme 2023. Collection method: clinical testing. Allele origin: germline.

Labcorp Genetics (formerly Invitae), Labcorp
Classification: Uncertain significance for Congenital myasthenic syndrome 2A. Last evaluated: 2024-06-26. Review status: criteria provided, single submitter. Criteria: Invitae Variant Classification Sherloc (09022015). Collection method: clinical testing. Allele origin: germline.
Comment: This sequence change replaces arginine, which is basic and polar, with histidine, which is basic and polar, at codon 347 of the CHRNB1 protein (p.Arg347His). This variant is present in population databases (rs371142002, gnomAD 0.02%). This variant has not been reported in the literature in individuals affected with CHRNB1-related conditions. ClinVar contains an entry for this variant (Variation ID: 658338). Advanced modeling of protein sequence and biophysical properties (such as structural, functional, and spatial information, amino acid conservation, physicochemical variation, residue mobility, and thermodynamic stability) performed at Invitae indicates that this missense variant is not expected to disrupt CHRNB1 protein function with a negative predictive value of 80%. In summary, the available evidence is currently insufficient to determine the role of this variant in disease. Therefore, it has been classified as a Variant of Uncertain Significance.

NM_000747.3(CHRNB1):c.1040G>A (p.Arg347His)

Gene: CHRNB1 (cholinergic receptor nicotinic beta 1 subunit; plus strand). Cytogenetic location: 17p13.1.
Variant type: single nucleotide variant.
Coding change: c.1040G>A on transcript NM_000747.3 (MANE Select); coding-DNA position 1040, G replaced by A.
Protein change: p.Arg347His; replaces arginine 347 with histidine.
Molecular consequence: missense variant.
Genome position (GRCh38, 1-based): chr17:7,454,516, G>A. VCF-style: chr17-7454516-G-A. GRCh37 (hg19) VCF-style: chr17-7357835-G-A.
Other names: short protein forms R347H.
Identifiers: ClinVar variation 658338 (VCV000658338.11), dbSNP rs371142002, ClinGen allele CA8347939.
Genomic context (GRCh38, chr17:7,454,516, plus strand): 5'-TCGTGGTTCTCAACCTGCACCACCGCTCACCCCACACCCACCAAATGCCCCTTTGGGTCC[G>A]TCAGGTAAGAAAGATCTCCTCCTCCAACCCCAATTTTCCTTTTACAGACCATAGGGAGAA-3'
Protein context (NP_000738.2, residues 337-357): PHTHQMPLWV[Arg347His]QIFIHKLPLY